The following is an entry in ClinVar:

NM_001048174.2(MUTYH):c.914-8_914-4del

Gene: MUTYH (mutY DNA glycosylase; minus strand). Cytogenetic location: 1p34.1.
Variant type: Deletion.
Coding change: c.914-8_914-4del on transcript NM_001048174.2 (MANE Select); 8 bases into the intron before coding-DNA position 914 through 4 bases into the intron before coding-DNA position 914, 5 bases deleted (GTTCC; older notation c.914-8_914-4delGTTCC).
Molecular consequence: intron variant.
Genome position (GRCh38, 1-based): chr1:45,331,853-45,331,857, GGAAC deleted on the plus strand (GTTCC on the coding strand, the reverse complement: MUTYH is on the minus strand); deleting any 5 consecutive bases within chr1:45,331,853-45,331,860 gives the same sequence; the c. name uses the placement nearest the transcript's 3' end. VCF-style (leftmost placement, unchanged base first): chr1-45331852-GGGAAC-G. GRCh37 (hg19) VCF-style: chr1-45797524-GGGAAC-G.
Other names: c.569-8_569-4del (NM_001350651.2, NM_001350650.2); c.638-8_638-4del (NM_001293192.2, NM_001293196.2); c.914-8_914-4del (NM_001048171.2, NM_001048173.2, NM_001293195.2); c.959-8_959-4del (NM_001293190.2); c.989-8_989-4del (NM_012222.3); c.998-8_998-4del (NM_001128425.2); c.917-8_917-4del (NM_001048172.2); c.947-8_947-4del (NM_001293191.2).
Identifiers: ClinVar variation 1039887 (VCV001039887.8), dbSNP rs1644940240, ClinGen allele CA2473712441.
Genomic context (GRCh38, chr1:45,331,852, plus strand): 5'-GTCTGGTCCCAGGGCTCCGAGGGAGGCAGGCACAGGTGGCACTGTCCAGTGTTGGGAGCT[GGGAAC>G]GGAGATCCCCGAACCCTACTCAAGCCAAGAGGGCTTTAGGGGCCAACCTAGAGAGTGGGC-3'

ClinVar aggregate classification (germline): Uncertain significance (1 of 4 stars; one submission).

Conditions:
Familial adenomatous polyposis 2. Also called: Adenomas, multiple colorectal; MUTYH Polyposis; COLORECTAL ADENOMATOUS POLYPOSIS, AUTOSOMAL RECESSIVE; ADENOMAS, MULTIPLE COLORECTAL, AUTOSOMAL RECESSIVE; FAP type 2; MUTYH-associated polyposis. Identifiers: Orphanet 220460, Orphanet 247798, MedGen C3272841, MONDO:0012041, OMIM 608456.

Submission:

Labcorp Genetics (formerly Invitae), Labcorp
Classification: Uncertain significance for Familial adenomatous polyposis 2. Last evaluated: 2020-07-07. Review status: criteria provided, single submitter. Criteria: Invitae Variant Classification Sherloc (09022015). Collection method: clinical testing. Allele origin: germline.
Comment: This variant is not present in population databases (ExAC no frequency). In summary, the available evidence is currently insufficient to determine the role of this variant in disease. Therefore, it has been classified as a Variant of Uncertain Significance. Algorithms developed to predict the effect of sequence changes on RNA splicing suggest that this variant may disrupt the consensus splice site, but this prediction has not been confirmed by published transcriptional studies. This variant has not been reported in the literature in individuals with MUTYH-related conditions. This sequence change falls in intron 11 of the MUTYH gene. It does not directly change the encoded amino acid sequence of the MUTYH protein.